The following is an entry in ClinVar:

ClinVar aggregate classification (germline): Uncertain significance (1 of 4 stars; one submission).

Submission:

CeGaT Center for Human Genetics Tuebingen
Classification: Uncertain significance. Last evaluated: 2025-10-01. Review status: criteria provided, single submitter. Criteria: CeGaT Center For Human Genetics Tuebingen Variant Classification Criteria Version 2. Collection method: clinical testing. Allele origin: germline. Affected: yes. Observed: 1 variant allele.
Comment: DNHD1: PM2, PP2, BP4

NM_144666.3(DNHD1):c.890A>T (p.Tyr297Phe)

Gene: DNHD1 (dynein heavy chain domain 1; plus strand). Cytogenetic location: 11p15.4.
Variant type: single nucleotide variant.
Coding change: c.890A>T on transcript NM_144666.3 (MANE Select); coding-DNA position 890, A replaced by T.
Protein change: p.Tyr297Phe; replaces tyrosine 297 with phenylalanine.
Molecular consequence: missense variant.
Genome position (GRCh38, 1-based): chr11:6,502,896, A>T. VCF-style: chr11-6502896-A-T. GRCh37 (hg19) VCF-style: chr11-6524126-A-T.
Other names: c.890A>T, p.Tyr297Phe (NM_173589.4); short protein forms Y297F.
Identifiers: ClinVar variation 4535012 (VCV004535012.6).